The following is an entry in ClinVar:

NM_000455.5(STK11):c.547C>A (p.Leu183Met)

Gene: STK11 (serine/threonine kinase 11; plus strand). Cytogenetic location: 19p13.3.
Variant type: single nucleotide variant.
Coding change: c.547C>A on transcript NM_000455.5 (MANE Select); coding-DNA position 547, C replaced by A.
Protein change: p.Leu183Met; replaces leucine 183 with methionine.
Molecular consequence: missense variant. On other transcripts: non-coding transcript variant (1).
Genome position (GRCh38, 1-based): chr19:1,220,455, C>A. VCF-style: chr19-1220455-C-A. GRCh37 (hg19) VCF-style: chr19-1220454-C-A.
Other names: c.547C>A, p.Leu183Met (NM_001407255.1); short protein forms L183M.
Identifiers: ClinVar variation 4551287 (VCV004551287.1).

ClinVar aggregate classification (germline): Uncertain significance (1 of 4 stars; one submission).

Conditions:
Hereditary cancer-predisposing syndrome. Also called: Tumor predisposition; Hereditary Cancer Syndrome; Hereditary neoplastic syndrome; Neoplastic Syndromes, Hereditary. Identifiers: Orphanet 140162, MedGen C0027672, MeSH D009386, MONDO:0015356.

Submission:

Ambry Genetics
Classification: Uncertain significance for Hereditary cancer-predisposing syndrome. Last evaluated: 2025-10-09. Review status: criteria provided, single submitter. Criteria: Ambry Variant Classification Scheme 2023. Collection method: clinical testing. Allele origin: germline.
Comment: The p.L183M variant (also known as c.547C>A), located in coding exon 4 of the STK11 gene, results from a C to A substitution at nucleotide position 547. The leucine at codon 183 is replaced by methionine, an amino acid with highly similar properties. This amino acid position is conserved. In addition, the in silico prediction for this alteration is inconclusive. Based on the available evidence, the clinical significance of this variant remains unclear.